The following is an entry in ClinVar:

NM_001267550.2(TTN):c.1800+10T>C

Gene: TTN (titin; minus strand). Cytogenetic location: 2q31.2.
Variant type: single nucleotide variant.
Coding change: c.1800+10T>C on transcript NM_001267550.2 (MANE Select); 10 bases into the intron after coding-DNA position 1800, T replaced by C.
Molecular consequence: intron variant.
Genome position (GRCh38, 1-based): chr2:178,790,698, A>G on the plus strand (T>C on the coding strand, the complement: TTN is on the minus strand). VCF-style: chr2-178790698-A-G. GRCh37 (hg19) VCF-style: chr2-179655425-A-G.
Other names: c.1663-583T>C (NM_003319.4, NM_133437.4, NM_133432.3); c.1800+10T>C (NM_133378.4, NM_001256850.1, NM_133379.5).
Identifiers: ClinVar variation 385972 (VCV000385972.11), dbSNP rs767071465, ClinGen allele CA2005969.

ClinVar aggregate classification (germline): Likely benign. Review status: criteria provided, multiple submitters, no conflicts (2 of 4 stars). 3 submissions from 3 submitters: Likely benign (3). Last evaluated 2026-01-27.

Conditions:
TTN-related disorder. Also called: TTN-related disorders; TTN-related condition; TTN-related disease.
Autosomal recessive limb-girdle muscular dystrophy type 2J (LGMDR10). Also called: Limb-girdle muscular dystrophy, type 2J; MUSCULAR DYSTROPHY, LIMB-GIRDLE, AUTOSOMAL RECESSIVE 10. Identifiers: Orphanet 140922, MedGen C1837342, MONDO:0012127, OMIM 608807.
Dilated cardiomyopathy 1G (CMD1G). Identifiers: Orphanet 154, MedGen C1858763, MONDO:0011400, OMIM 604145.

Allele frequency attached by ClinVar (database versions not stated): gnomAD exomes 0.00001 and 0.00002; ExAC 0.00003; gnomAD 0.00011 and 0.00014; TOPMed 0.00015.
gnomAD v4.1: 23 of 1,613,952 alleles (0.0014%); highest among the groups gnomAD compares: African/African-American, 0.031%; no homozygotes.

Submissions (3):

Labcorp Genetics (formerly Invitae), Labcorp
Classification: Likely benign for Dilated cardiomyopathy 1G; Autosomal recessive limb-girdle muscular dystrophy type 2J. Last evaluated: 2026-01-27. Review status: criteria provided, single submitter. Criteria: Invitae Variant Classification Sherloc (09022015). Collection method: clinical testing. Allele origin: germline.

PreventionGenetics, part of Exact Sciences
Classification: Likely benign for TTN-related condition. Last evaluated: 2025-11-03. Review status: criteria provided, single submitter. Criteria: ACMG Guidelines, 2015. Collection method: clinical testing. Allele origin: germline.
Comment: This variant is classified as likely benign based on ACMG/AMP sequence variant interpretation guidelines (Richards et al. 2015 PMID: 25741868, with internal and published modifications).

GeneDx
Classification: Likely benign. Last evaluated: 2016-05-24. Review status: criteria provided, single submitter. Criteria: GeneDx Variant Classification (06012015). Collection method: clinical testing. Allele origin: germline. Affected: yes.
Comment: This variant is considered likely benign or benign based on one or more of the following criteria: it is a conservative change, it occurs at a poorly conserved position in the protein, it is predicted to be benign by multiple in silico algorithms, and/or has population frequency not consistent with disease.